The following is an entry in ClinVar:

NM_014236.4(GNPAT):c.1052C>A (p.Pro351Gln)

Gene: GNPAT (glyceronephosphate O-acyltransferase; plus strand). Cytogenetic location: 1q42.2.
Variant type: single nucleotide variant.
Coding change: c.1052C>A on transcript NM_014236.4 (MANE Select); coding-DNA position 1052, C replaced by A.
Protein change: p.Pro351Gln; replaces proline 351 with glutamine.
Molecular consequence: missense variant.
Genome position (GRCh38, 1-based): chr1:231,266,404, C>A. VCF-style: chr1-231266404-C-A. GRCh37 (hg19) VCF-style: chr1-231402150-C-A.
Other names: c.869C>A, p.Pro290Gln (NM_001316350.2); short protein forms P290Q, P351Q.
Identifiers: ClinVar variation 1001826 (VCV001001826.5), dbSNP rs1685391004, ClinGen allele CA345235381.

ClinVar aggregate classification (germline): Uncertain significance (1 of 4 stars; one submission).

Submission:

Labcorp Genetics (formerly Invitae), Labcorp
Classification: Uncertain significance. Last evaluated: 2022-03-03. Review status: criteria provided, single submitter. Criteria: Invitae Variant Classification Sherloc (09022015). Collection method: clinical testing. Allele origin: germline.
Comment: In summary, the available evidence is currently insufficient to determine the role of this variant in disease. Therefore, it has been classified as a Variant of Uncertain Significance. Algorithms developed to predict the effect of missense changes on protein structure and function are either unavailable or do not agree on the potential impact of this missense change (SIFT: "Deleterious"; PolyPhen-2: "Probably Damaging"; Align-GVGD: "Class C0"). ClinVar contains an entry for this variant (Variation ID: 1001826). This variant has not been reported in the literature in individuals affected with GNPAT-related conditions. This variant is not present in population databases (gnomAD no frequency). This sequence change replaces proline, which is neutral and non-polar, with glutamine, which is neutral and polar, at codon 351 of the GNPAT protein (p.Pro351Gln).